The following is an entry in ClinVar:

ClinVar aggregate classification (germline): Uncertain significance (1 of 4 stars; one submission).

Conditions:
Early-infantile DEE. Also called: Early infantile epileptic encephalopathy; Ohtahara syndrome; Early infantile epileptic encephalopathy with suppression bursts. Identifiers: Orphanet 1934, MedGen C0393706, MONDO:0800491.

Submission:

Labcorp Genetics (formerly Invitae), Labcorp
Classification: Uncertain significance for Early-infantile DEE. Last evaluated: 2024-04-05. Review status: criteria provided, single submitter. Criteria: Invitae Variant Classification Sherloc (09022015). Collection method: clinical testing. Allele origin: germline.
Comment: This sequence change replaces valine, which is neutral and non-polar, with phenylalanine, which is neutral and non-polar, at codon 572 of the HCN1 protein (p.Val572Phe). This variant is not present in population databases (gnomAD no frequency). This variant has not been reported in the literature in individuals affected with HCN1-related conditions. Advanced modeling of protein sequence and biophysical properties (such as structural, functional, and spatial information, amino acid conservation, physicochemical variation, residue mobility, and thermodynamic stability) has been performed at Invitae for this missense variant, however the output from this modeling did not meet the statistical confidence thresholds required to predict the impact of this variant on HCN1 protein function. In summary, the available evidence is currently insufficient to determine the role of this variant in disease. Therefore, it has been classified as a Variant of Uncertain Significance.

NM_021072.4(HCN1):c.1714G>T (p.Val572Phe)

Gene: HCN1 (hyperpolarization activated cyclic nucleotide gated potassium channel 1; minus strand). Cytogenetic location: 5p12.
Variant type: single nucleotide variant.
Coding change: c.1714G>T on transcript NM_021072.4 (MANE Select); coding-DNA position 1714, G replaced by T.
Protein change: p.Val572Phe; replaces valine 572 with phenylalanine.
Molecular consequence: missense variant.
Genome position (GRCh38, 1-based): chr5:45,267,158, C>A on the plus strand (G>T on the coding strand, the complement: HCN1 is on the minus strand). VCF-style: chr5-45267158-C-A. GRCh37 (hg19) VCF-style: chr5-45267260-C-A.
Other names: short protein forms V572F.
Identifiers: ClinVar variation 3648848 (VCV003648848.2).